The following is an entry in ClinVar:

ClinVar aggregate classification (germline): Uncertain significance (1 of 4 stars; one submission).

Submission:

GeneDx
Classification: Uncertain significance. Last evaluated: 2019-11-13. Review status: criteria provided, single submitter. Criteria: GeneDx Variant Classification Process June 2021. Collection method: clinical testing. Allele origin: germline. Affected: yes.
Comment: Not observed in large population cohorts (Lek et al., 2016); In silico analysis, which includes protein predictors and evolutionary conservation, supports a deleterious effect; Has not been previously published as pathogenic or benign to our knowledge

NM_004187.5(KDM5C):c.1201G>A (p.Ala401Thr)

Gene: KDM5C (lysine demethylase 5C; minus strand). Cytogenetic location: Xp11.22.
Variant type: single nucleotide variant.
Coding change: c.1201G>A on transcript NM_004187.5 (MANE Select); coding-DNA position 1201, G replaced by A.
Protein change: p.Ala401Thr; replaces alanine 401 with threonine.
Molecular consequence: missense variant. On other transcripts: non-coding transcript variant (3).
Genome position (GRCh38, 1-based): chrX:53,211,828, C>T on the plus strand (G>A on the coding strand, the complement: KDM5C is on the minus strand). VCF-style: chrX-53211828-C-T. GRCh37 (hg19) VCF-style: chrX-53241010-C-T.
Other names: c.1000G>A, p.Ala334Thr (NM_001146702.2); c.1198G>A, p.Ala400Thr (NM_001282622.3, NM_001353979.2, NM_001353982.2); c.1201G>A, p.Ala401Thr (NM_001353978.3, NM_001353981.2, NM_001353984.2); short protein forms A334T, A400T, A401T.
Identifiers: ClinVar variation 1310064 (VCV001310064.2), dbSNP rs2146921405, ClinGen allele CA413130629.